The following is an entry in ClinVar:

NM_014669.5(NUP93):c.1126C>T (p.Arg376Cys)

Gene: NUP93 (nucleoporin 93; plus strand). Cytogenetic location: 16q13.
Variant type: single nucleotide variant.
Coding change: c.1126C>T on transcript NM_014669.5 (MANE Select); coding-DNA position 1126, C replaced by T.
Protein change: p.Arg376Cys; replaces arginine 376 with cysteine.
Molecular consequence: missense variant.
Genome position (GRCh38, 1-based): chr16:56,831,882, C>T. VCF-style: chr16-56831882-C-T. GRCh37 (hg19) VCF-style: chr16-56865794-C-T.
Other names: c.757C>T, p.Arg253Cys (NM_001242795.2, NM_001242796.2); short protein forms R376C, R253C.
Identifiers: ClinVar variation 3023299 (VCV003023299.4), dbSNP rs990904998, ClinGen allele CA281496541.

ClinVar aggregate classification (germline): Uncertain significance. Review status: criteria provided, multiple submitters, no conflicts (2 of 4 stars). 2 submissions from 2 submitters: Uncertain significance (2). Last evaluated 2024-03-29.

Conditions:
Nephrotic syndrome, type 12 (NPHS12). Identifiers: Orphanet 656, MedGen C4225166, MONDO:0014817, OMIM 616892.

Allele frequency attached by ClinVar (database versions not stated): gnomAD exomes below 0.00001.
gnomAD v4.1: 4 of 1,614,042 alleles (0.00025%); highest among the groups gnomAD compares: Non-Finnish European, 0.00034%; no homozygotes.

Submissions (2):

Genomic Medicine Center of Excellence, King Faisal Specialist Hospital and Research Centre
Classification: Uncertain significance for Nephrotic syndrome, type 12. Last evaluated: 2024-03-29. Review status: criteria provided, single submitter. Criteria: ACMG Guidelines, 2015. Collection method: clinical testing. Allele origin: germline.

Labcorp Genetics (formerly Invitae), Labcorp
Classification: Uncertain significance. Last evaluated: 2023-12-10. Review status: criteria provided, single submitter. Criteria: Invitae Variant Classification Sherloc (09022015). Collection method: clinical testing. Allele origin: germline.
Comment: This sequence change replaces arginine, which is basic and polar, with cysteine, which is neutral and slightly polar, at codon 376 of the NUP93 protein (p.Arg376Cys). This variant is not present in population databases (gnomAD no frequency). This variant has not been reported in the literature in individuals affected with NUP93-related conditions. Advanced modeling of protein sequence and biophysical properties (such as structural, functional, and spatial information, amino acid conservation, physicochemical variation, residue mobility, and thermodynamic stability) performed at Invitae indicates that this missense variant is expected to disrupt NUP93 protein function with a positive predictive value of 80%. In summary, the available evidence is currently insufficient to determine the role of this variant in disease. Therefore, it has been classified as a Variant of Uncertain Significance.